The following is an entry in ClinVar:

ClinVar aggregate classification (germline): Uncertain significance (1 of 4 stars; one submission).

Conditions:
Granulomatous disease, chronic, autosomal recessive, cytochrome b-positive, type 2. Also called: Chronic Granulomatous Disease, Autosomal Recessive, Cytochrome b-Positive, Type II; GRANULOMATOUS DISEASE, CHRONIC, AUTOSOMAL RECESSIVE, 2; GRANULOMATOUS DISEASE, CHRONIC, DUE TO NCF2 DEFICIENCY; Chronic granulomatous disease due to deficiency of NCF-2; CGD, AUTOSOMAL RECESSIVE CYTOCHROME b-POSITIVE, TYPE II. Identifiers: Orphanet 379, MedGen C1856245, MONDO:0009310, OMIM 233710.

Allele frequency attached by ClinVar (database versions not stated): gnomAD exomes 0.00001 and 0.00002; ExAC 0.00002; gnomAD 0.00006; ESP Exome Variant Server 0.00008; TOPMed 0.00008.

Submission:

Labcorp Genetics (formerly Invitae), Labcorp
Classification: Uncertain significance for Granulomatous disease, chronic, autosomal recessive, cytochrome b-positive, type 2. Last evaluated: 2021-09-01. Review status: criteria provided, single submitter. Criteria: Invitae Variant Classification Sherloc (09022015). Collection method: clinical testing. Allele origin: germline.
Comment: This sequence change replaces proline with leucine at codon 326 of the NCF2 protein (p.Pro326Leu). The proline residue is highly conserved and there is a moderate physicochemical difference between proline and leucine. This variant is present in population databases (rs369515038, ExAC 0.03%). This variant has not been reported in the literature in individuals affected with NCF2-related conditions. Algorithms developed to predict the effect of missense changes on protein structure and function (SIFT, PolyPhen-2, Align-GVGD) all suggest that this variant is likely to be disruptive. In summary, the available evidence is currently insufficient to determine the role of this variant in disease. Therefore, it has been classified as a Variant of Uncertain Significance.

NM_000433.4(NCF2):c.977C>T (p.Pro326Leu)

Gene: NCF2 (neutrophil cytosolic factor 2; minus strand). Cytogenetic location: 1q25.3.
Variant type: single nucleotide variant.
Coding change: c.977C>T on transcript NM_000433.4 (MANE Select); coding-DNA position 977, C replaced by T.
Protein change: p.Pro326Leu; replaces proline 326 with leucine.
Molecular consequence: missense variant.
Genome position (GRCh38, 1-based): chr1:183,565,727, G>A on the plus strand (C>T on the coding strand, the complement: NCF2 is on the minus strand). VCF-style: chr1-183565727-G-A. GRCh37 (hg19) VCF-style: chr1-183534862-G-A.
Other names: c.977C>T, p.Pro326Leu (NM_001127651.3); c.734C>T, p.Pro245Leu (NM_001190789.2); c.842C>T, p.Pro281Leu (NM_001190794.2); short protein forms P245L, P326L, P281L.
Identifiers: ClinVar variation 1392817 (VCV001392817.5), dbSNP rs369515038, ClinGen allele CA1284727.